The following is an entry in ClinVar:

NM_007126.5(VCP):c.-219TGCCAC[4]

Gene: VCP (valosin containing protein; minus strand). Cytogenetic location: 9p13.3.
Variant type: Microsatellite.
Coding change: c.-219TGCCAC[4] on transcript NM_007126.5 (MANE Select); four copies in a row of the 6-base unit TGCCAC starting at c.-219; the reference has three copies in a row; one copy, 6 bases duplicated.
Molecular consequence: 5 prime UTR variant.
Genome position (GRCh38, 1-based): chr9:35,072,555-35,072,560, GTGGCA duplicated on the plus strand (TGCCAC on the coding strand, the reverse complement: VCP is on the minus strand); duplicating any 6 consecutive bases within chr9:35,072,555-35,072,573 gives the same sequence; the position shown is the placement nearest the transcript's 3' end. VCF-style (leftmost placement, unchanged base first): chr9-35072554-G-GGTGGCA. GRCh37 (hg19) VCF-style: chr9-35072551-G-GGTGGCA.
Other names: c.-414TGCCAC[4] (NM_001354927.2); c.-934TGCCAC[4] (NM_001354928.2).
Identifiers: ClinVar variation 2499090 (VCV002499090.28), dbSNP rs920620336, ClinGen allele CA192689827.

ClinVar aggregate classification (germline): Benign (1 of 4 stars; one submission).

Submission:

CeGaT Center for Human Genetics Tuebingen
Classification: Benign. Last evaluated: 2023-01-01. Review status: criteria provided, single submitter. Criteria: CeGaT Center For Human Genetics Tuebingen Variant Classification Criteria Version 2. Collection method: clinical testing. Allele origin: germline. Affected: yes. Observed: 2 variant alleles.
Comment: VCP: BS1, BS2